The following is an entry in ClinVar:

NM_002230.4(JUP):c.1576C>T (p.Arg526Cys)

Gene: JUP (junction plakoglobin; minus strand). Cytogenetic location: 17q21.2.
Variant type: single nucleotide variant.
Coding change: c.1576C>T on transcript NM_002230.4 (MANE Select); coding-DNA position 1576, C replaced by T.
Protein change: p.Arg526Cys; replaces arginine 526 with cysteine.
Molecular consequence: missense variant.
Genome position (GRCh38, 1-based): chr17:41,758,792, G>A on the plus strand (C>T on the coding strand, the complement: JUP is on the minus strand). VCF-style: chr17-41758792-G-A. GRCh37 (hg19) VCF-style: chr17-39915044-G-A.
Other names: c.1576C>T, p.Arg526Cys (NM_001352773.2, NM_001352774.2, NM_001352775.2 and 3 more transcripts); short protein forms R526C.
Identifiers: ClinVar variation 519401 (VCV000519401.20), dbSNP rs782309611, ClinGen allele CA8565187.

ClinVar aggregate classification (germline): Conflicting classifications of pathogenicity. Review status: criteria provided, conflicting classifications (1 of 4 stars). 5 submissions from 4 submitters: Uncertain significance (4); Likely benign (1). Last evaluated 2025-08-06.

Conditions:
Cardiovascular phenotype. Identifiers: MedGen CN230736.
Naxos disease (NXD). Also called: PALMOPLANTAR KERATODERMA WITH ARRHYTHMOGENIC RIGHT VENTRICULAR CARDIOMYOPATHY AND WOOLLY HAIR; CARDIOMYOPATHY, ARRHYTHMOGENIC RIGHT VENTRICULAR, WITH SKIN, HAIR, AND NAIL ABNORMALITIES; KERATOSIS PALMOPLANTARIS WITH ARRHYTHMOGENIC CARDIOMYOPATHY; MAL DE NAXOS; WOOLLY HAIR, PALMOPLANTAR KERATODERMA, AND CARDIAC ABNORMALITIES. Identifiers: Orphanet 34217, MedGen C1832600, MONDO:0011017, OMIM 601214.
Arrhythmogenic right ventricular dysplasia 12. Also called: ARRHYTHMOGENIC RIGHT VENTRICULAR DYSPLASIA, FAMILIAL, 12. Identifiers: MedGen C1969081, MONDO:0012684, OMIM 611528.

Allele frequency attached by ClinVar (database versions not stated): gnomAD 0.00001; TOPMed 0.00001; ExAC 0.00002; gnomAD exomes 0.00002.
gnomAD v4.1: 13 of 1,611,650 alleles (0.00081%); highest among the groups gnomAD compares: Admixed American, 0.0067%; no homozygotes.

Submissions (5):

Labcorp Genetics (formerly Invitae), Labcorp
Classification: Uncertain significance for Arrhythmogenic right ventricular dysplasia 12; Naxos disease. Last evaluated: 2025-08-06. Review status: criteria provided, single submitter. Criteria: Invitae Variant Classification Sherloc (09022015). Collection method: clinical testing. Allele origin: germline.
Comment: This sequence change replaces arginine, which is basic and polar, with cysteine, which is neutral and slightly polar, at codon 526 of the JUP protein (p.Arg526Cys). This variant is present in population databases (rs782309611, gnomAD 0.006%). This missense change has been observed in individual(s) with sudden cardiac death (PMID: 34076677). ClinVar contains an entry for this variant (Variation ID: 519401). An algorithm developed to predict the effect of missense changes on protein structure and function (PolyPhen-2) suggests that this variant is likely to be disruptive. In summary, the available evidence is currently insufficient to determine the role of this variant in disease. Therefore, it has been classified as a Variant of Uncertain Significance.

Ambry Genetics
Classification: Likely benign for Cardiovascular phenotype. Last evaluated: 2023-07-18. Review status: criteria provided, single submitter. Criteria: Ambry Variant Classification Scheme 2023. Collection method: clinical testing. Allele origin: germline.

Fulgent Genetics
Classification: Uncertain significance for Naxos disease; Arrhythmogenic right ventricular dysplasia 12. Last evaluated: 2021-09-02. Review status: criteria provided, single submitter. Criteria: ACMG Guidelines, 2015. Collection method: clinical testing. Allele origin: unknown.

Illumina Laboratory Services, Illumina
Classification: Uncertain significance for Naxos disease. Last evaluated: 2018-01-13. Review status: criteria provided, single submitter. Criteria: ICSL Variant Classification Criteria 13 December 2019. Collection method: clinical testing. Allele origin: germline.

Illumina Laboratory Services, Illumina
Classification: Uncertain significance for Arrhythmogenic right ventricular dysplasia 12. Last evaluated: 2018-01-13. Review status: criteria provided, single submitter. Criteria: ICSL Variant Classification Criteria 13 December 2019. Collection method: clinical testing. Allele origin: germline.

Literature cited by the submitters: PubMed 34076677 (cited by Labcorp Genetics (formerly Invitae), Labcorp and Ambry Genetics).